The following is an entry in ClinVar:

NM_001197104.2(KMT2A):c.4422G>A (p.Trp1474Ter)

Gene: KMT2A (lysine methyltransferase 2A; plus strand). Cytogenetic location: 11q23.3.
Variant type: single nucleotide variant.
Coding change: c.4422G>A on transcript NM_001197104.2 (MANE Select); coding-DNA position 4422, G replaced by A.
Protein change: p.Trp1474Ter; replaces tryptophan 1474 with a stop codon.
Molecular consequence: nonsense.
Genome position (GRCh38, 1-based): chr11:118,488,703, G>A. VCF-style: chr11-118488703-G-A. GRCh37 (hg19) VCF-style: chr11-118359418-G-A.
Other names: NM_005933.4:c.4422G>A; c.4521G>A, p.Trp1507Ter (NM_001412597.1); c.4422G>A, p.Trp1474Ter (NM_005933.4); short protein forms W1507*, W1474*.
Identifiers: ClinVar variation 2412717 (VCV002412717.1), dbSNP rs2134328020, ClinGen allele CA382832515.

ClinVar aggregate classification (germline): Likely pathogenic (1 of 4 stars; one submission).

Conditions:
Wiedemann-Steiner syndrome (WDSTS). Also called: Growth deficiency and mental retardation with facial dysmorphism. Identifiers: Orphanet 319182, MedGen C1854630, MONDO:0011518, OMIM 605130.

Submission:

Broad Center for Mendelian Genomics, Broad Institute of MIT and Harvard
Classification: Likely pathogenic for Wiedemann-Steiner syndrome. Last evaluated: 2023-01-25. Review status: criteria provided, single submitter. Criteria: ACMG Guidelines, 2015. Collection method: curation. Allele origin: germline. Inheritance: Autosomal dominant inheritance.
Comment: Trio exome analysis showed this variant to be de novo. The p.Trp1474Ter variant in KMT2A has not been previously reported in individuals with Wiedemann-Steiner syndrome. This variant was absent from large population studies. This nonsense variant leads to a premature termination codon at position 1474, which is predicted to lead to a truncated or absent protein. Heterozygous loss of function of the KM2TA gene is strongly associated to autosomal dominant Wiedemann-Steiner syndrome. In summary, although additional studies are required to fully establish its clinical significance, this variant is likely pathogenic for autosomal dominant Wiedemann-Steiner syndrome. ACMG/AMP Criteria applied: PVS1_Strong, PS2_Supporting, PM2_Supporting (Richards 2015).